The following is an entry in ClinVar:

NM_000384.3(APOB):c.1400C>T (p.Ala467Val)

Gene: APOB (apolipoprotein B; minus strand). Cytogenetic location: 2p24.1.
Variant type: single nucleotide variant.
Coding change: c.1400C>T on transcript NM_000384.3 (MANE Select); coding-DNA position 1400, C replaced by T.
Protein change: p.Ala467Val; replaces alanine 467 with valine.
Molecular consequence: missense variant.
Genome position (GRCh38, 1-based): chr2:21,029,968, G>A on the plus strand (C>T on the coding strand, the complement: APOB is on the minus strand). VCF-style: chr2-21029968-G-A. GRCh37 (hg19) VCF-style: chr2-21252840-G-A.
Other names: short protein forms A467V.
Identifiers: ClinVar variation 946294 (VCV000946294.13), dbSNP rs376602710, ClinGen allele CA346015362.
Genomic context (GRCh38, chr2:21,029,968, plus strand): 5'-AAATAGGTGTAATCTTCATCCCCAGTGCAGTCATCTTGAATCTGTTCCATCAGGTAATTA[G>A]CAATGTCCAGCAGCTCCTGGGTCCCTGTAGGGTTTGTCTTATGATAGCTACAGAATAAGA-3'
Protein context (NP_000375.3, residues 457-477): PTGTQELLDI[Ala467Val]NYLMEQIQDD

ClinVar aggregate classification (germline): Uncertain significance. Review status: criteria provided, multiple submitters, no conflicts (2 of 4 stars). 2 submissions from 2 submitters: Uncertain significance (2). Last evaluated 2022-12-06.

Conditions:
Familial hypobetalipoproteinemia 1. Also called: Hypobetalipoproteinemia, normotriglyceridemic; Acanthocytosis with hypobetalipoproteinemia; APOB-Related Familial Hypobetalipoproteinemia. Identifiers: MedGen C4551990, MONDO:0014252, OMIM 615558.
Hypercholesterolemia, autosomal dominant, type B (FHCL2). Also called: Familial Hypercholesterolemia Type B; HYPERCHOLESTEROLEMIA, FAMILIAL, DUE TO LIGAND-DEFECTIVE APOLIPOPROTEIN B; Familial hypercholesterolemia 2; APOB-Related Familial Hypercholesterolemia, Autosomal Dominant; APOLIPOPROTEIN B-100, FAMILIAL DEFECTIVE; APOLIPOPROTEIN B-100, FAMILIAL LIGAND-DEFECTIVE. Identifiers: MedGen C1704417, MONDO:0007751, OMIM 144010.

gnomAD v4.1: 5 of 1,613,896 alleles (0.00031%); highest among the groups gnomAD compares: Non-Finnish European, 0.00042%; no homozygotes.

Submissions (2):

Labcorp Genetics (formerly Invitae), Labcorp
Classification: Uncertain significance for Familial hypobetalipoproteinemia 1; Hypercholesterolemia, autosomal dominant, type B. Last evaluated: 2022-12-06. Review status: criteria provided, single submitter. Criteria: Invitae Variant Classification Sherloc (09022015). Collection method: clinical testing. Allele origin: germline.
Comment: This variant is not present in population databases (gnomAD no frequency). In summary, the available evidence is currently insufficient to determine the role of this variant in disease. Therefore, it has been classified as a Variant of Uncertain Significance. Advanced modeling of protein sequence and biophysical properties (such as structural, functional, and spatial information, amino acid conservation, physicochemical variation, residue mobility, and thermodynamic stability) performed at Invitae indicates that this missense variant is not expected to disrupt APOB protein function. ClinVar contains an entry for this variant (Variation ID: 946294). This variant has not been reported in the literature in individuals affected with APOB-related conditions. This sequence change replaces alanine, which is neutral and non-polar, with valine, which is neutral and non-polar, at codon 467 of the APOB protein (p.Ala467Val).

Fulgent Genetics
Classification: Uncertain significance for Hypercholesterolemia, autosomal dominant, type B; Familial hypobetalipoproteinemia 1. Last evaluated: 2021-09-14. Review status: criteria provided, single submitter. Criteria: ACMG Guidelines, 2015. Collection method: clinical testing. Allele origin: unknown.